The following is an entry in ClinVar:

ClinVar aggregate classification (germline): Uncertain significance (1 of 4 stars; one submission).

Conditions:
Inborn genetic diseases. Identifiers: MedGen C0950123, MeSH D030342.

Submission:

Ambry Genetics
Classification: Uncertain significance for Inborn genetic diseases. Last evaluated: 2026-07-22. Review status: criteria provided, single submitter. Criteria: Ambry Variant Classification Scheme 2023. Collection method: clinical testing. Allele origin: germline.
Comment: The p.H55Q variant (also known as c.165C>A), located in coding exon 1 of the SH2B3 gene, results from a C to A substitution at nucleotide position 165. The histidine at codon 55 is replaced by glutamine, an amino acid with highly similar properties. This amino acid position is conserved. In addition, this alteration is predicted to be tolerated by in silico analysis. Based on the available evidence, the clinical significance of this variant remains unclear.

NM_005475.3(SH2B3):c.165C>A (p.His55Gln)

Gene: SH2B3 (SH2B adaptor protein 3; plus strand). Cytogenetic location: 12q24.12.
Variant type: single nucleotide variant.
Coding change: c.165C>A on transcript NM_005475.3 (MANE Select); coding-DNA position 165, C replaced by A.
Protein change: p.His55Gln; replaces histidine 55 with glutamine.
Molecular consequence: missense variant.
Genome position (GRCh38, 1-based): chr12:111,418,310, C>A. VCF-style: chr12-111418310-C-A. GRCh37 (hg19) VCF-style: chr12-111856114-C-A.
Other names: short protein forms H55Q.
Identifiers: ClinVar variation 5029480 (VCV005029480.1).